The following is an entry in ClinVar:

ClinVar aggregate classification (germline): Uncertain significance (1 of 4 stars; one submission).

Conditions:
Hereditary cancer-predisposing syndrome. Also called: Tumor predisposition; Hereditary Cancer Syndrome; Hereditary neoplastic syndrome; Neoplastic Syndromes, Hereditary. Identifiers: Orphanet 140162, MedGen C0027672, MeSH D009386, MONDO:0015356.

Submission:

Ambry Genetics
Classification: Uncertain significance for Hereditary cancer-predisposing syndrome. Last evaluated: 2025-10-02. Review status: criteria provided, single submitter. Criteria: Ambry Variant Classification Scheme 2023. Collection method: clinical testing. Allele origin: germline.
Comment: The p.N570K variant (also known as c.1710C>G), located in coding exon 13 of the SDHA gene, results from a C to G substitution at nucleotide position 1710. The asparagine at codon 570 is replaced by lysine, an amino acid with similar properties. This amino acid position is conserved. In addition, the in silico prediction for this alteration is inconclusive. Based on the available evidence, the clinical significance of this variant remains unclear.

NM_004168.4(SDHA):c.1710C>G (p.Asn570Lys)

Gene: SDHA (succinate dehydrogenase complex flavoprotein subunit A; plus strand). Cytogenetic location: 5p15.33.
Variant type: single nucleotide variant.
Coding change: c.1710C>G on transcript NM_004168.4 (MANE Select); coding-DNA position 1710, C replaced by G.
Protein change: p.Asn570Lys; replaces asparagine 570 with lysine.
Molecular consequence: missense variant. On other transcripts: intron variant (1).
Genome position (GRCh38, 1-based): chr5:251,384, C>G. VCF-style: chr5-251384-C-G. GRCh37 (hg19) VCF-style: chr5-251499-C-G.
Other names: c.1566C>G, p.Asn522Lys (NM_001294332.2); c.1552-3009C>G (NM_001330758.2); short protein forms N522K, N570K.
Identifiers: ClinVar variation 4546749 (VCV004546749.1).